The following is an entry in ClinVar:

ClinVar aggregate classification (germline): Uncertain significance. Review status: criteria provided, multiple submitters, no conflicts (2 of 4 stars). 2 submissions from 2 submitters: Uncertain significance (2). Last evaluated 2026-08-17.

Conditions:
Hereditary cancer-predisposing syndrome. Also called: Hereditary Cancer Syndrome; Neoplastic Syndromes, Hereditary; Hereditary neoplastic syndrome; Tumor predisposition. Identifiers: Orphanet 140162, MedGen C0027672, MeSH D009386, MONDO:0015356.

Allele frequency attached by ClinVar (database versions not stated): gnomAD exomes below 0.00001.

Submissions (2):

Ambry Genetics
Classification: Uncertain significance for Hereditary cancer-predisposing syndrome. Last evaluated: 2026-08-17. Review status: criteria provided, single submitter. Criteria: Ambry Variant Classification Scheme 2023. Collection method: clinical testing. Allele origin: germline.
Comment: The c.318_322dupGGCCG variant, located in coding exon 1 of the HOXB13 gene, results from a duplication of GGCCG at nucleotide position 318, causing a translational frameshift with a predicted alternate stop codon (p.A108Gfs*173). This variant occurs at the 3' terminus of the gene and is not expected to trigger nonsense-mediated mRNA decay. Based on the available evidence, the clinical significance of this variant remains unclear.

Labcorp Genetics (formerly Invitae), Labcorp
Classification: Uncertain significance. Last evaluated: 2025-03-21. Review status: criteria provided, single submitter. Criteria: Invitae Variant Classification Sherloc (09022015). Collection method: clinical testing. Allele origin: germline.
Comment: This sequence change creates a premature translational stop signal (p.Ala108Glyfs*173) in the HOXB13 gene. While this is not anticipated to result in nonsense mediated decay, it is expected to disrupt the last 177 amino acid(s) of the HOXB13 protein. This variant is present in population databases (no rsID available, gnomAD 0.003%). This variant has not been reported in the literature in individuals affected with HOXB13-related conditions. ClinVar contains an entry for this variant (Variation ID: 1439458). Experimental studies and prediction algorithms are not available or were not evaluated, and the functional significance of this variant is currently unknown. In summary, the available evidence is currently insufficient to determine the role of this variant in disease. Therefore, it has been classified as a Variant of Uncertain Significance.

NM_006361.6(HOXB13):c.318_322dup (p.Ala108fs)

Gene: HOXB13 (homeobox B13; minus strand). Cytogenetic location: 17q21.32.
Variant type: Duplication.
Coding change: c.318_322dup on transcript NM_006361.6 (MANE Select); coding-DNA positions 318 to 322, 5 bases duplicated (GGCCG; older notation c.318_322dupGGCCG).
Protein change: p.Ala108fs; shifts the reading frame from alanine 108.
Molecular consequence: frameshift variant.
Genome position (GRCh38, 1-based): chr17:48,728,272-48,728,276, CGGCC duplicated on the plus strand (GGCCG on the coding strand, the reverse complement: HOXB13 is on the minus strand). VCF-style (leftmost placement, unchanged base first): chr17-48728271-G-GCGGCC. GRCh37 (hg19) VCF-style: chr17-46805633-G-GCGGCC.
Other names: c.318_322dupGGCCG (NM_006361.5); short protein forms A108fs.
Identifiers: ClinVar variation 1439458 (VCV001439458.8), dbSNP rs1567701542, ClinGen allele CA626687073.
Genomic context (GRCh38, chr17:48,728,271, plus strand): 5'-GCAAACTCAGTGGGGCGGCTGGGGTACTCTTCCCCGGCCGTGGGAGTCTCCGCGGGGTAC[G>GCGGCC]CGGCCAGGGTGGCTGCCTGGGCACAGGGTTTCAGCGAGCTCCGGGACACTCGGCAGGAGT-3'